The following is an entry in ClinVar:

ClinVar aggregate classification (germline): Pathogenic (1 of 4 stars; one submission).

gnomAD v4.1: 2 of 1,613,166 alleles (0.00012%); highest among the groups gnomAD compares: Non-Finnish European, 0.00017%; no homozygotes.

Submission:

Labcorp Genetics (formerly Invitae), Labcorp
Classification: Pathogenic. Last evaluated: 2023-06-16. Review status: criteria provided, single submitter. Criteria: Invitae Variant Classification Sherloc (09022015). Collection method: clinical testing. Allele origin: germline.
Comment: For these reasons, this variant has been classified as Pathogenic. This variant has not been reported in the literature in individuals affected with CCDC88C-related conditions. This variant is not present in population databases (gnomAD no frequency). This sequence change creates a premature translational stop signal (p.Tyr1164*) in the CCDC88C gene. It is expected to result in an absent or disrupted protein product. Loss-of-function variants in CCDC88C are known to be pathogenic (PMID: 23042809, 29225145).

Literature cited by the submitters: PubMed 23042809; PubMed 29225145.

NM_001080414.4(CCDC88C):c.3492C>G (p.Tyr1164Ter)

Gene: CCDC88C (coiled-coil and HOOK domain protein 88C; minus strand). Cytogenetic location: 14q32.11.
Variant type: single nucleotide variant.
Coding change: c.3492C>G on transcript NM_001080414.4 (MANE Select); coding-DNA position 3492, C replaced by G.
Protein change: p.Tyr1164Ter; replaces tyrosine 1164 with a stop codon.
Molecular consequence: nonsense.
Genome position (GRCh38, 1-based): chr14:91,303,844, G>C on the plus strand (C>G on the coding strand, the complement: CCDC88C is on the minus strand). VCF-style: chr14-91303844-G-C. GRCh37 (hg19) VCF-style: chr14-91770188-G-C.
Other names: short protein forms Y1164*.
Identifiers: ClinVar variation 2818253 (VCV002818253.3), dbSNP rs987453838, ClinGen allele CA390621911.